The following is an entry in ClinVar:

ClinVar aggregate classification (germline): Benign (1 of 4 stars; one submission).

Conditions:
Lynch syndrome 5 (LYNCH5). Also called: Colorectal cancer, hereditary nonpolyposis, type 5; Hereditary non-polyposis colorectal cancer, type 5. Identifiers: Orphanet 144, MedGen C1833477, MONDO:0013710, OMIM 614350. Disease mechanism: loss of function.

Submission:

Myriad Genetics, Inc.
Classification: Benign for Lynch syndrome 5. Last evaluated: 2025-01-08. Review status: criteria provided, single submitter. Criteria: Myriad Autosomal Dominant, Autosomal Recessive and X-Linked Classification Criteria (2023). Collection method: clinical testing. Allele origin: unknown.
Comment: This variant is considered benign. This variant is a silent/synonymous amino acid change and it is not expected to impact splicing.

NM_000179.3(MSH6):c.3780T>C (p.Val1260=)

Gene: MSH6 (mutS homolog 6; plus strand). Cytogenetic location: 2p16.3.
Variant type: single nucleotide variant.
Coding change: c.3780T>C on transcript NM_000179.3 (MANE Select); coding-DNA position 3780, T replaced by C.
Protein change: p.Val1260=; no amino-acid change (valine 1260 retained).
Molecular consequence: synonymous variant. On other transcripts: non-coding transcript variant (5).
Genome position (GRCh38, 1-based): chr2:47,806,337, T>C. VCF-style: chr2-47806337-T-C. GRCh37 (hg19) VCF-style: chr2-48033476-T-C.
Other names: c.3390T>C, p.Val1130= (NM_001281492.2); c.2874T>C, p.Val958= (NM_001281493.2, NM_001281494.2, NM_001406811.1 and 6 more transcripts); c.3876T>C, p.Val1292= (NM_001406795.1, NM_001406802.1); c.3780T>C, p.Val1260= (NM_001406796.1, NM_001406800.1, NM_001406808.1 and 1 more transcripts); c.3483T>C, p.Val1161= (NM_001406797.1, NM_001406801.1, NM_001406805.1 and 10 more transcripts); c.3606T>C, p.Val1202= (NM_001406798.1); c.3255T>C, p.Val1085= (NM_001406799.1, NM_001406806.1, NM_001406807.1); c.2916T>C, p.Val972= (NM_001406803.1); and 7 more.
Identifiers: ClinVar variation 3903745 (VCV003903745.1).